The following is an entry in ClinVar:

ClinVar aggregate classification (germline): Uncertain significance (1 of 4 stars; one submission).

Conditions:
Hereditary cancer-predisposing syndrome. Also called: Neoplastic Syndromes, Hereditary; Tumor predisposition; Hereditary Cancer Syndrome; Hereditary neoplastic syndrome. Identifiers: Orphanet 140162, MedGen C0027672, MeSH D009386, MONDO:0015356.

gnomAD v4.1: 10 of 1,560,278 alleles (0.00064%); highest among the groups gnomAD compares: South Asian, 0.011%; no homozygotes.

Submission:

Ambry Genetics
Classification: Uncertain significance for Hereditary cancer-predisposing syndrome. Last evaluated: 2015-10-03. Review status: criteria provided, single submitter. Criteria: Ambry Variant Classification Scheme 2023. Collection method: clinical testing. Allele origin: germline.
Comment: The p.G110V variant (also known as c.329G>T), located in coding exon 4 of the RAD51D gene, results from a G to T substitution at nucleotide position 329. The glycine at codon 110 is replaced by valine, an amino acid with dissimilar properties. This variant was not reported in population based cohorts in the following databases: Database of Single Nucleotide Polymorphisms (dbSNP), NHLBI Exome Sequencing Project (ESP), and 1000 Genomes Project. In the ESP, this variant was not observed in 6503 samples (13006 alleles) with coverage at this position. To date, this alteration has been detected with an allele frequency of approximately 0.002% (greater than 53000 alleles tested) in our clinical cohort. This amino acid position is well conserved in available vertebrate species. In addition, the in silico prediction for this alteration is inconclusive. Since supporting evidence is limited at this time, the clinical significance of p.G110V remains unclear.

NM_002878.4(RAD51D):c.329G>T (p.Gly110Val)

Genes: RAD51D (RAD51 paralog D; minus strand), RAD51L3-RFFL (RAD51L3-RFFL readthrough; minus strand). Cytogenetic location: 17q12.
Variant type: single nucleotide variant.
Coding change: c.329G>T on transcript NM_002878.4 (MANE Select); coding-DNA position 329, G replaced by T.
Protein change: p.Gly110Val; replaces glycine 110 with valine.
Molecular consequence: missense variant. On other transcripts: non-coding transcript variant (2), intron variant (1).
Genome position (GRCh38, 1-based): chr17:35,107,382, C>A on the plus strand (G>T on the coding strand, the complement: RAD51D is on the minus strand). VCF-style: chr17-35107382-C-A. GRCh37 (hg19) VCF-style: chr17-33434401-C-A.
Other names: c.389G>T, p.Gly130Val (NM_001142571.2); c.145-901G>T (NM_133629.3); short protein forms G130V, G110V.
Identifiers: ClinVar variation 1729936 (VCV001729936.2), dbSNP rs587780103, ClinGen allele CA8499514.